The following is an entry in ClinVar:

ClinVar aggregate classification (germline): Uncertain significance. Review status: criteria provided, multiple submitters, no conflicts (2 of 4 stars). 2 submissions from 2 submitters: Uncertain significance (2). Last evaluated 2025-11-04.

Conditions:
POLD1-related polyposis and colorectal cancer syndrome (CRCS10). Also called: Colorectal cancer 10; COLORECTAL CANCER, SUSCEPTIBILITY TO, ON CHROMOSOME 19q; Colorectal cancer, susceptibility to, 10. Identifiers: Orphanet 220460, MedGen C2675481, MONDO:0012953, OMIM 612591.
Hereditary cancer-predisposing syndrome. Also called: Tumor predisposition; Neoplastic Syndromes, Hereditary; Hereditary Cancer Syndrome; Hereditary neoplastic syndrome. Identifiers: Orphanet 140162, MedGen C0027672, MeSH D009386, MONDO:0015356.

Submissions (2):

Ambry Genetics
Classification: Uncertain significance for Hereditary cancer-predisposing syndrome. Last evaluated: 2025-11-04. Review status: criteria provided, single submitter. Criteria: Ambry Variant Classification Scheme 2023. Collection method: clinical testing. Allele origin: germline.
Comment: The c.2805_2820+44del60 variant results from a deletion of 60 nucleotides between positions c.2805 to c.2820+44 and involves the canonical splice donor site after coding exon 21 of the POLD1 gene. The canonical splice donor site is well conserved in available vertebrate species. In silico splice site analysis predicts that this alteration will result in the creation or strengthening of a novel splice donor site. Alterations that disrupt the canonical splice site are expected to cause aberrant splicing, resulting in an abnormal protein or a transcript that is subject to nonsense-mediated mRNA decay. However, loss of function has not been established as a mechanism of disease. Based on the available evidence, the clinical significance of this alteration remains unclear.

Labcorp Genetics (formerly Invitae), Labcorp
Classification: Uncertain significance for POLD1-related polyposis and colorectal cancer syndrome. Last evaluated: 2022-03-21. Review status: criteria provided, single submitter. Criteria: Invitae Variant Classification Sherloc (09022015). Collection method: clinical testing. Allele origin: germline.
Comment: Algorithms developed to predict the effect of sequence changes on RNA splicing suggest that this variant may disrupt the consensus splice site. This variant results in the deletion of part of exon 22 (c.2805_2820+44del) of the POLD1 gene. Missense variants that disrupt the 3'-5' exonuclease (proof-reading) activity of the POLD1 protein are associated with an increased risk for colonic adenomatous polyps and colon cancer (PMID: 23263490, 23447401). However, loss-of-function variants that result in an absent or severely disrupted POLD1 protein, and missense variants outside the exonuclease domain, are unlikely to be associated with polyposis or colon cancer. This variant is not present in population databases (gnomAD no frequency). This variant has not been reported in the literature in individuals affected with POLD1-related conditions. In summary, the available evidence is currently insufficient to determine the role of this variant in disease. Therefore, it has been classified as a Variant of Uncertain Significance.

Literature cited by the submitters: PubMed 23263490 (cited by Labcorp Genetics (formerly Invitae), Labcorp); PubMed 23447401 (cited by Labcorp Genetics (formerly Invitae), Labcorp).

NM_002691.4(POLD1):c.2805_2820+44del

Gene: POLD1 (DNA polymerase delta 1, catalytic subunit; plus strand). Cytogenetic location: 19q13.33.
Variant type: Deletion.
Coding change: c.2805_2820+44del on transcript NM_002691.4 (MANE Select); coding-DNA position 2805 through 44 bases into the intron after coding-DNA position 2820, 60 bases deleted.
Molecular consequence: splice donor variant.
Genome position (GRCh38, 1-based): chr19:50,415,811-50,415,870, 60 bases deleted. GRCh37 (hg19): chr19:50,919,068-50,919,127.
Other names: c.2805_2820+44del60 (NM_002691.2); c.2805_2820+44del (NM_001256849.1); c.2883_2898+44del (NM_001308632.1).
Identifiers: ClinVar variation 2115496 (VCV002115496.5), dbSNP rs2514058997, ClinGen allele CA2580097827.